The following is an entry in ClinVar:

NM_000301.5(PLG):c.1533T>A (p.His511Gln)

Gene: PLG (plasminogen; plus strand). Cytogenetic location: 6q26.
Variant type: single nucleotide variant.
Coding change: c.1533T>A on transcript NM_000301.5 (MANE Select); coding-DNA position 1533, T replaced by A.
Protein change: p.His511Gln; replaces histidine 511 with glutamine.
Molecular consequence: missense variant.
Genome position (GRCh38, 1-based): chr6:160,731,839, T>A. VCF-style: chr6-160731839-T-A. GRCh37 (hg19) VCF-style: chr6-161152871-T-A.
Other names: short protein forms H511Q.
Identifiers: ClinVar variation 3657070 (VCV003657070.2).

ClinVar aggregate classification (germline): Uncertain significance (1 of 4 stars; one submission).

Submission:

Labcorp Genetics (formerly Invitae), Labcorp
Classification: Uncertain significance. Last evaluated: 2024-06-19. Review status: criteria provided, single submitter. Criteria: Invitae Variant Classification Sherloc (09022015). Collection method: clinical testing. Allele origin: germline.
Comment: This sequence change replaces histidine, which is basic and polar, with glutamine, which is neutral and polar, at codon 511 of the PLG protein (p.His511Gln). This variant is not present in population databases (gnomAD no frequency). This variant has not been reported in the literature in individuals affected with PLG-related conditions. Advanced modeling of protein sequence and biophysical properties (such as structural, functional, and spatial information, amino acid conservation, physicochemical variation, residue mobility, and thermodynamic stability) performed at Invitae indicates that this missense variant is not expected to disrupt PLG protein function with a negative predictive value of 80%. In summary, the available evidence is currently insufficient to determine the role of this variant in disease. Therefore, it has been classified as a Variant of Uncertain Significance.